The following is an entry in ClinVar:

ClinVar aggregate classification (germline): Uncertain significance (1 of 4 stars; one submission).

Conditions:
Angelman syndrome-like. Identifiers: MedGen CN128785.
Developmental and epileptic encephalopathy, 2 (DEE2). Also called: INFANTILE SPASM SYNDROME, X-LINKED 2; CDKL5 deficiency disorder. Identifiers: Orphanet 1934, Orphanet 3451, Orphanet 505652, MedGen C4750718, MONDO:0010396, OMIM 300672.

Submission:

Labcorp Genetics (formerly Invitae), Labcorp
Classification: Uncertain significance for Developmental and epileptic encephalopathy, 2; Angelman syndrome-like. Last evaluated: 2025-12-07. Review status: criteria provided, single submitter. Criteria: Invitae Variant Classification Sherloc (09022015). Collection method: clinical testing. Allele origin: germline.
Comment: This sequence change replaces proline, which is neutral and non-polar, with serine, which is neutral and polar, at codon 109 of the CDKL5 protein (p.Pro109Ser). This variant is not present in population databases (gnomAD no frequency). This variant has not been reported in the literature in individuals affected with CDKL5-related conditions. Invitae Evidence Modeling of protein sequence and biophysical properties (such as structural, functional, and spatial information, amino acid conservation, physicochemical variation, residue mobility, and thermodynamic stability) has been performed for this missense variant. However, the output from this modeling did not meet the statistical confidence thresholds required to predict the impact of this variant on CDKL5 protein function. In summary, the available evidence is currently insufficient to determine the role of this variant in disease. Therefore, it has been classified as a Variant of Uncertain Significance.

NM_001323289.2(CDKL5):c.325C>T (p.Pro109Ser)

Gene: CDKL5 (cyclin dependent kinase like 5; plus strand). Cytogenetic location: Xp22.13.
Variant type: single nucleotide variant.
Coding change: c.325C>T on transcript NM_001323289.2 (MANE Select); coding-DNA position 325, C replaced by T.
Protein change: p.Pro109Ser; replaces proline 109 with serine.
Molecular consequence: missense variant.
Genome position (GRCh38, 1-based): chrX:18,579,890, C>T. VCF-style: chrX-18579890-C-T. GRCh37 (hg19) VCF-style: chrX-18598010-C-T.
Other names: c.325C>T, p.Pro109Ser (NM_001037343.2, NM_003159.3); short protein forms P109S.
Identifiers: ClinVar variation 4789421 (VCV004789421.1).